The following is an entry in ClinVar:

ClinVar aggregate classification (germline): Uncertain significance (1 of 4 stars; one submission).

Conditions:
Amelocerebrohypohidrotic syndrome (KTZS). Also called: KOHLSCHUTTER SYNDROME; Kohlschutter's syndrome; EPILEPSY AND YELLOW TEETH; EPILEPSY, DEMENTIA, AND AMELOGENESIS IMPERFECTA. Identifiers: Orphanet 1946, MedGen C0406740, MONDO:0009185, OMIM 226750.

Submission:

Labcorp Genetics (formerly Invitae), Labcorp
Classification: Uncertain significance for Amelocerebrohypohidrotic syndrome. Last evaluated: 2018-07-06. Review status: criteria provided, single submitter. Criteria: Invitae Variant Classification Sherloc (09022015). Collection method: clinical testing. Allele origin: germline.
Comment: This sequence change falls in intron 9 of the ROGDI gene. It does not directly change the encoded amino acid sequence of the ROGDI protein, but it affects a nucleotide within the consensus splice site of the intron. This variant is not present in population databases (ExAC no frequency). This variant has not been reported in the literature in individuals with ROGDI-related disease. Nucleotide substitutions within the consensus splice site are a relatively common cause of aberrant splicing (PMID: 17576681, 9536098). Algorithms developed to predict the effect of sequence changes on RNA splicing suggest that this variant may disrupt the consensus splice site, but this prediction has not been confirmed by published transcriptional studies. In summary, the available evidence is currently insufficient to determine the role of this variant in disease. Therefore, it has been classified as a Variant of Uncertain Significance.

Literature cited by the submitters: PubMed 17576681; PubMed 9536098.

NM_024589.3(ROGDI):c.695+5G>A

Gene: ROGDI (rogdi atypical leucine zipper; minus strand). Cytogenetic location: 16p13.3.
Variant type: single nucleotide variant.
Coding change: c.695+5G>A on transcript NM_024589.3 (MANE Select); 5 bases into the intron after coding-DNA position 695, G replaced by A.
Molecular consequence: intron variant.
Genome position (GRCh38, 1-based): chr16:4,797,933, C>T on the plus strand (G>A on the coding strand, the complement: ROGDI is on the minus strand). VCF-style: chr16-4797933-C-T. GRCh37 (hg19) VCF-style: chr16-4847934-C-T.
Identifiers: ClinVar variation 583387 (VCV000583387.5), dbSNP rs1567597416, ClinGen allele CA891843805.